The following is an entry in ClinVar:

NM_001378454.1(ALMS1):c.3409C>T (p.Pro1137Ser)

Gene: ALMS1 (ALMS1 centrosome and basal body associated protein; plus strand). Cytogenetic location: 2p13.1.
Variant type: single nucleotide variant.
Coding change: c.3409C>T on transcript NM_001378454.1 (MANE Select); coding-DNA position 3409, C replaced by T.
Protein change: p.Pro1137Ser; replaces proline 1137 with serine.
Molecular consequence: missense variant.
Genome position (GRCh38, 1-based): chr2:73,449,936, C>T. VCF-style: chr2-73449936-C-T. GRCh37 (hg19) VCF-style: chr2-73677063-C-T.
Other names: c.3412C>T, p.Pro1138Ser (NM_015120.4); short protein forms P1137S, P1138S.
Identifiers: ClinVar variation 1499486 (VCV001499486.6), dbSNP rs2103778839, ClinGen allele CA347275549.
Genomic context (GRCh38, chr2:73,449,936, plus strand): 5'-CCTAAAGAGGCTCTGAAAATTTCAGTAGCTCCTGGACTAGCAGACCAGAAGACTGGCACA[C>T]CAACTGTAACCTCAACTTCCTACTCACAACATAGAGAAAAGCCCAGCATTTTCCACCAGC-3'
Protein context (NP_001365383.1, residues 1127-1147): PGLADQKTGT[Pro1137Ser]TVTSTSYSQH

ClinVar aggregate classification (germline): Uncertain significance (1 of 4 stars; one submission).

Conditions:
Alstrom syndrome (ALMS). Identifiers: Orphanet 64, MedGen C0268425, MONDO:0008763, OMIM 203800.

Allele frequency attached by ClinVar (database versions not stated): gnomAD exomes below 0.00001.
gnomAD v4.1: 1 of 1,613,902 alleles (0.000062%); highest among the groups gnomAD compares: Non-Finnish European, 0.000085%; no homozygotes.

Submission:

Labcorp Genetics (formerly Invitae), Labcorp
Classification: Uncertain significance for Alstrom syndrome. Last evaluated: 2023-07-14. Review status: criteria provided, single submitter. Criteria: Invitae Variant Classification Sherloc (09022015). Collection method: clinical testing. Allele origin: germline.
Comment: In summary, the available evidence is currently insufficient to determine the role of this variant in disease. Therefore, it has been classified as a Variant of Uncertain Significance. Experimental studies and prediction algorithms are not available or were not evaluated, and the functional significance of this variant is currently unknown. ClinVar contains an entry for this variant (Variation ID: 1499486). This variant has not been reported in the literature in individuals affected with ALMS1-related conditions. This variant is not present in population databases (gnomAD no frequency). This sequence change replaces proline with serine at codon 1138 of the ALMS1 protein (p.Pro1138Ser). The proline residue is weakly conserved and there is a moderate physicochemical difference between proline and serine.